The following is an entry in ClinVar:

ClinVar aggregate classification (germline): Likely benign (1 of 4 stars; one submission).

Submission:

CeGaT Center for Human Genetics Tuebingen
Classification: Likely benign. Last evaluated: 2025-12-01. Review status: criteria provided, single submitter. Criteria: CeGaT Center For Human Genetics Tuebingen Variant Classification Criteria Version 2. Collection method: clinical testing. Allele origin: germline. Affected: yes. Observed: 1 variant allele.
Comment: CACNA1S: PM2:Supporting, BP4, BP7

NM_000069.3(CACNA1S):c.4704C>A (p.Pro1568=)

Gene: CACNA1S (calcium voltage-gated channel subunit alpha1 S; minus strand). Cytogenetic location: 1q32.1.
Variant type: single nucleotide variant.
Coding change: c.4704C>A on transcript NM_000069.3 (MANE Select); coding-DNA position 4704, C replaced by A.
Protein change: p.Pro1568=; no amino-acid change (proline 1568 retained).
Molecular consequence: synonymous variant.
Genome position (GRCh38, 1-based): chr1:201,044,421, G>T on the plus strand (C>A on the coding strand, the complement: CACNA1S is on the minus strand). VCF-style: chr1-201044421-G-T. GRCh37 (hg19) VCF-style: chr1-201013549-G-T.
Identifiers: ClinVar variation 4681821 (VCV004681821.5).